The following is an entry in ClinVar:

ClinVar aggregate classification (germline): Uncertain significance (1 of 4 stars; one submission).

Submission:

CeGaT Center for Human Genetics Tuebingen
Classification: Uncertain significance. Last evaluated: 2024-04-01. Review status: criteria provided, single submitter. Criteria: CeGaT Center For Human Genetics Tuebingen Variant Classification Criteria Version 2. Collection method: clinical testing. Allele origin: germline. Affected: yes. Observed: 1 variant allele.
Comment: EPM2A: PM2, BP4

NM_005670.4(EPM2A):c.*1704G>A

Gene: EPM2A (EPM2A glucan phosphatase, laforin; minus strand). Cytogenetic location: 6q24.3.
Variant type: single nucleotide variant.
Coding change: c.*1704G>A on transcript NM_005670.4 (MANE Select); 1704 bases downstream of the stop codon, G replaced by A.
Molecular consequence: 3 prime UTR variant. On other transcripts: missense variant (1), non-coding transcript variant (1).
Genome position (GRCh38, 1-based): chr6:145,625,712, C>T on the plus strand (G>A on the coding strand, the complement: EPM2A is on the minus strand). VCF-style: chr6-145625712-C-T. GRCh37 (hg19) VCF-style: chr6-145946848-C-T.
Other names: c.937G>A, p.Asp313Asn (NM_001018041.2); c.*1783G>A (NM_001360057.2); c.*1704G>A (NM_001360064.2, NM_001360071.2, NM_001368129.2 and 2 more transcripts); short protein forms D313N.
Identifiers: ClinVar variation 3234780 (VCV003234780.20), dbSNP rs2533579610, ClinGen allele CA366188892.